The following is an entry in ClinVar:

NM_000035.4(ALDOB):c.888G>A (p.Trp296Ter)

Gene: ALDOB (aldolase, fructose-bisphosphate B; minus strand). Cytogenetic location: 9q31.1.
Variant type: single nucleotide variant.
Coding change: c.888G>A on transcript NM_000035.4 (MANE Select); coding-DNA position 888, G replaced by A.
Protein change: p.Trp296Ter; replaces tryptophan 296 with a stop codon.
Molecular consequence: nonsense.
Genome position (GRCh38, 1-based): chr9:101,424,954, C>T on the plus strand (G>A on the coding strand, the complement: ALDOB is on the minus strand). VCF-style: chr9-101424954-C-T. GRCh37 (hg19) VCF-style: chr9-104187236-C-T.
Other names: c.888G>A, p.Trp296Ter (LRG_1244t1); short protein forms W296*.
Identifiers: ClinVar variation 371260 (VCV000371260.12), dbSNP rs1057517133, ClinGen allele CA16041283.

ClinVar aggregate classification (germline): Pathogenic. Review status: criteria provided, multiple submitters, no conflicts (2 of 4 stars). 4 submissions from 4 submitters: Pathogenic (3). 1 of the submissions does not count toward it. Last evaluated 2024-03-24.

Conditions:
Hereditary fructosuria. Also called: ALDOB DEFICIENCY; ALDOLASE B DEFICIENCY; FRUCTOSE-1,6-BISPHOSPHATE ALDOLASE B DEFICIENCY; FRUCTOSE-1-PHOSPHATE ALDOLASE DEFICIENCY; FRUCTOSEMIA; Fructose intolerance. Identifiers: Orphanet 469, MedGen C0016751, MONDO:0009249, OMIM 229600, HP:0005973. Disease mechanism: loss of function.

Allele frequency attached by ClinVar (database versions not stated): TOPMed 0.00001.

Submissions (4):

Baylor Genetics
Classification: Pathogenic for Hereditary fructosuria. Last evaluated: 2024-03-24. Review status: criteria provided, single submitter. Criteria: ACMG Guidelines, 2015. Collection method: clinical testing. Allele origin: unknown.

Labcorp Genetics (formerly Invitae), Labcorp
Classification: Pathogenic for Hereditary fructosuria. Last evaluated: 2023-12-04. Review status: criteria provided, single submitter. Criteria: Invitae Variant Classification Sherloc (09022015). Collection method: clinical testing. Allele origin: germline.
Comment: This sequence change creates a premature translational stop signal (p.Trp296*) in the ALDOB gene. It is expected to result in an absent or disrupted protein product. Loss-of-function variants in ALDOB are known to be pathogenic (PMID: 18541450). This variant is not present in population databases (gnomAD no frequency). This variant has not been reported in the literature in individuals affected with ALDOB-related conditions. ClinVar contains an entry for this variant (Variation ID: 371260). For these reasons, this variant has been classified as Pathogenic.

Juno Genomics, Hangzhou Juno Genomics, Inc
Classification: Pathogenic for Hereditary fructosuria. Review status: criteria provided, single submitter. Criteria: ACMG Guidelines, 2015. Collection method: clinical testing. Allele origin: germline. Affected: yes.
Comment: Absent from controls (or at extremely low frequency if recessive) in Genome Aggregation Database, Exome Sequencing Project, 1000 Genomes Project, or Exome Aggregation Consortium.;Null variant in a gene where loss of function (LOF) is a known mechanism of disease.;For recessive disorders, detected in trans with a pathogenic variant.

Counsyl
Classification: Likely pathogenic for Hereditary fructosuria. Last evaluated: 2016-08-09. Review status: no assertion criteria provided. Collection method: clinical testing. Allele origin: unknown. Not counted in ClinVar's aggregate classification.

Literature cited by the submitters: PubMed 18541450 (cited by Labcorp Genetics (formerly Invitae), Labcorp).